The following is an entry in ClinVar:

NM_001242896.3(DEPDC5):c.3095del (p.Pro1032fs)

Gene: DEPDC5 (DEP domain containing 5, GATOR1 subcomplex subunit; plus strand). Cytogenetic location: 22q12.3.
Variant type: Deletion.
Coding change: c.3095del on transcript NM_001242896.3 (MANE Select); coding-DNA position 3095, one base deleted (C; older notation c.3095delC).
Protein change: p.Pro1032fs; shifts the reading frame from proline 1032.
Molecular consequence: frameshift variant. On other transcripts: non-coding transcript variant (5).
Genome position (GRCh38, 1-based): chr22:31,846,907, C deleted; the last of 5 consecutive C bases (chr22:31,846,903-31,846,907); deleting any one gives the same sequence. VCF-style (leftmost placement, unchanged base first): chr22-31846902-AC-A. GRCh37 (hg19) VCF-style: chr22-32242888-AC-A.
Other names: c.3068del, p.Pro1023fs (NM_001136029.4, NM_001369903.1, NM_014662.6); c.2861del, p.Pro954fs (NM_001242897.2, NM_001363854.2, NM_001364319.2); c.3095del, p.Pro1032fs (NM_001363852.2, NM_001364318.2, NM_001364320.2); c.3011del, p.Pro1004fs (NM_001369901.1, NM_001369902.1); short protein forms P1004fs, P1023fs, P1032fs, P954fs.
Identifiers: ClinVar variation 944570 (VCV000944570.7), dbSNP rs2091769406, ClinGen allele CA1139667074.

ClinVar aggregate classification (germline): Pathogenic (1 of 4 stars; one submission).

Conditions:
Familial focal epilepsy with variable foci (FPEVF). Identifiers: Orphanet 98820, MedGen C1858477, MONDO:0020310.

Submission:

Labcorp Genetics (formerly Invitae), Labcorp
Classification: Pathogenic for Familial focal epilepsy with variable foci. Last evaluated: 2019-05-05. Review status: criteria provided, single submitter. Criteria: Invitae Variant Classification Sherloc (09022015). Collection method: clinical testing. Allele origin: germline.
Comment: Loss-of-function variants in DEPDC5 are known to be pathogenic (PMID: 23542697, 23542701). This variant has not been reported in the literature in individuals with DEPDC5-related conditions. This variant is not present in population databases (ExAC no frequency). This sequence change creates a premature translational stop signal (p.Pro1032Glnfs*47) in the DEPDC5 gene. It is expected to result in an absent or disrupted protein product. For these reasons, this variant has been classified as Pathogenic.

Literature cited by the submitters: PubMed 23542697; PubMed 23542701.